The following is an entry in ClinVar:

ClinVar aggregate classification (germline): Pathogenic/Likely pathogenic. Review status: criteria provided, multiple submitters, no conflicts (2 of 4 stars). 4 submissions from 4 submitters: Pathogenic (2); Likely pathogenic (2). Last evaluated 2023-05-13.

Conditions:
Isovaleryl-CoA dehydrogenase deficiency (IVA). Also called: IVD DEFICIENCY; Isovaleric acidemia; Classic Isovaleric Acidemia; ISOVALERIC ACID CoA DEHYDROGENASE DEFICIENCY. Identifiers: Orphanet 33, MedGen C0268575, MONDO:0009475, OMIM 243500.

Allele frequency attached by ClinVar (database versions not stated): gnomAD exomes below 0.00001 and 0.00001; ExAC 0.00001; TOPMed 0.00002.
gnomAD v4.1: 3 of 1,611,848 alleles (0.00019%); highest among the groups gnomAD compares: Admixed American, 0.005%; no homozygotes.

Submissions (4):

Baylor Genetics
Classification: Likely pathogenic for Isovaleryl-CoA dehydrogenase deficiency. Last evaluated: 2023-05-13. Review status: criteria provided, single submitter. Criteria: ACMG Guidelines, 2015. Collection method: clinical testing. Allele origin: unknown.

Labcorp Genetics (formerly Invitae), Labcorp
Classification: Likely pathogenic for Isovaleryl-CoA dehydrogenase deficiency. Last evaluated: 2023-03-01. Review status: criteria provided, single submitter. Criteria: Invitae Variant Classification Sherloc (09022015). Collection method: clinical testing. Allele origin: germline.
Comment: In summary, the currently available evidence indicates that the variant is pathogenic, but additional data are needed to prove that conclusively. Therefore, this variant has been classified as Likely Pathogenic. Algorithms developed to predict the effect of sequence changes on RNA splicing suggest that this variant may disrupt the consensus splice site. ClinVar contains an entry for this variant (Variation ID: 198480). This variant has not been reported in the literature in individuals affected with IVD-related conditions. This variant is present in population databases (rs763471771, gnomAD 0.006%). This sequence change affects a donor splice site in intron 7 of the IVD gene. It is expected to disrupt RNA splicing. Variants that disrupt the donor or acceptor splice site typically lead to a loss of protein function (PMID: 16199547), and loss-of-function variants in IVD are known to be pathogenic (PMID: 16602101).

Fulgent Genetics
Classification: Pathogenic for Isovaleryl-CoA dehydrogenase deficiency. Last evaluated: 2018-10-31. Review status: criteria provided, single submitter. Criteria: ACMG Guidelines, 2015. Collection method: clinical testing. Allele origin: unknown.

Eurofins Ntd Llc (ga)
Classification: Pathogenic. Last evaluated: 2014-07-23. Review status: criteria provided, single submitter. Criteria: EGL Classification Definitions 2015. Collection method: clinical testing. Allele origin: germline. Observed: 1 variant allele, 1 heterozygote.

Literature cited by the submitters: PubMed 16199547 (cited by Labcorp Genetics (formerly Invitae), Labcorp); PubMed 16602101 (cited by Labcorp Genetics (formerly Invitae), Labcorp).

NM_002225.5(IVD):c.784+1G>A

Gene: IVD (isovaleryl-CoA dehydrogenase; plus strand). Cytogenetic location: 15q15.1.
Variant type: single nucleotide variant.
Coding change: c.784+1G>A on transcript NM_002225.5 (MANE Select); the canonical splice donor site of the intron after coding-DNA position 784, G replaced by A.
Molecular consequence: splice donor variant.
Genome position (GRCh38, 1-based): chr15:40,413,088, G>A. VCF-style: chr15-40413088-G-A. GRCh37 (hg19) VCF-style: chr15-40705287-G-A.
Other names: c.871+1G>A (NM_001354600.3, NM_001354599.3); c.784+1G>A (NM_001354598.3, NM_001354601.3); c.736+1G>A (NM_001354597.3); c.694+1G>A (NM_001159508.3).
Identifiers: ClinVar variation 198480 (VCV000198480.12), dbSNP rs763471771, ClinGen allele CA275399.